The following is an entry in ClinVar:

ClinVar aggregate classification (germline): Likely benign (1 of 4 stars; one submission).

Allele frequency attached by ClinVar (database versions not stated): gnomAD exomes 0.00014; ExAC 0.00049; gnomAD 0.00149; ESP Exome Variant Server 0.00161; TOPMed 0.00175; 1000 Genomes Project 30x 0.00234; 1000 Genomes Project 0.00240.
gnomAD v4.1: 459 of 1,614,154 alleles (0.028%); highest among the groups gnomAD compares: African/African-American, 0.48%; 5 homozygotes.

Submission:

CeGaT Center for Human Genetics Tuebingen
Classification: Likely benign. Last evaluated: 2023-04-01. Review status: criteria provided, single submitter. Criteria: CeGaT Center For Human Genetics Tuebingen Variant Classification Criteria Version 2. Collection method: clinical testing. Allele origin: germline. Affected: yes. Observed: 1 variant allele.
Comment: LCA5L: BP4, BP7

NM_152505.4(LCA5L):c.1536C>G (p.Pro512=)

Genes: GET1 (guided entry of tail-anchored proteins factor 1; plus strand), GET1-SH3BGR (GET1-SH3BGR readthrough; plus strand), LCA5L (lebercilin LCA5 like; minus strand). Cytogenetic location: 21q22.2.
Variant type: single nucleotide variant.
Coding change: c.1536C>G on transcript NM_152505.4 (MANE Select); coding-DNA position 1536, C replaced by G.
Protein change: p.Pro512=; no amino-acid change (proline 512 retained).
Molecular consequence: synonymous variant. On other transcripts: intron variant (2).
Genome position (GRCh38, 1-based): chr21:39,406,359, G>C on the plus strand (C>G on the coding strand, the complement: LCA5L is on the minus strand). VCF-style: chr21-39406359-G-C. GRCh37 (hg19) VCF-style: chr21-40778285-G-C.
Other names: c.1536C>G, p.Pro512= (NM_001384285.1, NM_001384286.1, NM_001384287.1 and 3 more transcripts); c.1146C>G, p.Pro382= (NM_001384292.1, NM_001384293.1, NM_001384294.1 and 2 more transcripts); c.336+14523G>C (NM_001317744.2, NM_001350300.2).
Identifiers: ClinVar variation 2652667 (VCV002652667.24), dbSNP rs142555845, ClinGen allele CA10028663.